The following is an entry in ClinVar:

NM_000256.3(MYBPC3):c.932C>T (p.Ser311Leu)

Gene: MYBPC3 (myosin binding protein C3; minus strand). Cytogenetic location: 11p11.2.
Variant type: single nucleotide variant.
Coding change: c.932C>T on transcript NM_000256.3 (MANE Select); coding-DNA position 932, C replaced by T.
Protein change: p.Ser311Leu; replaces serine 311 with leucine.
Molecular consequence: missense variant.
Genome position (GRCh38, 1-based): chr11:47,346,365, G>A on the plus strand (C>T on the coding strand, the complement: MYBPC3 is on the minus strand). VCF-style: chr11-47346365-G-A. GRCh37 (hg19) VCF-style: chr11-47367916-G-A.
Other names: short protein forms S311L.
Identifiers: ClinVar variation 177928 (VCV000177928.19), dbSNP rs193922386, ClinGen allele CA016150.

ClinVar aggregate classification (germline): Conflicting classifications of pathogenicity. Review status: criteria provided, conflicting classifications (1 of 4 stars). 7 submissions from 7 submitters: Uncertain significance (6); Likely benign (1). Last evaluated 2026-01-27.

Conditions:
Cardiovascular phenotype. Identifiers: MedGen CN230736.
Left ventricular noncompaction 10 (LVNC10). Identifiers: Orphanet 154, Orphanet 54260, MedGen C3715165, MONDO:0014163, OMIM 615396.
Hypertrophic cardiomyopathy 4. Also called: Familial hypertrophic cardiomyopathy 4. Identifiers: MedGen C1861862, MONDO:0007268, OMIM 115197.
Hypertrophic cardiomyopathy. Also called: HYPERTROPHIC MYOCARDIOPATHY. Identifiers: Orphanet 217569, MedGen C0007194, MeSH D002312, MONDO:0005045, HP:0001639.
Cardiomyopathy (CMYO). Also called: Cardiomyopathies. Identifiers: Orphanet 167848, MedGen C0878544, MONDO:0004994, HP:0001638. Inheritance: Various modes of inheritance.

Allele frequency attached by ClinVar (database versions not stated): TOPMed 0.00002.
gnomAD v4.1: 35 of 1,584,392 alleles (0.0022%); highest among the groups gnomAD compares: Non-Finnish European, 0.0028%; no homozygotes.

Submissions (7):

Labcorp Genetics (formerly Invitae), Labcorp
Classification: Uncertain significance for Hypertrophic cardiomyopathy. Last evaluated: 2026-01-27. Review status: criteria provided, single submitter. Criteria: Invitae Variant Classification Sherloc (09022015). Collection method: clinical testing. Allele origin: germline.
Comment: This sequence change replaces serine, which is neutral and polar, with leucine, which is neutral and non-polar, at codon 311 of the MYBPC3 protein (p.Ser311Leu). The frequency data for this variant in the population databases is considered unreliable, as metrics indicate poor data quality at this position in the gnomAD database. This missense change has been observed in individual(s) with dilated cardiomyopathy, hypertrophic cardiomyopathy, or sudden unexplained death (PMID: 21750094, 25611685, 27532257, 29247119, 37652022). ClinVar contains an entry for this variant (Variation ID: 177928). An algorithm developed to predict the effect of missense changes on protein structure and function (PolyPhen-2) suggests that this variant is likely to be tolerated. In summary, the available evidence is currently insufficient to determine the role of this variant in disease. Therefore, it has been classified as a Variant of Uncertain Significance.

Ambry Genetics
Classification: Uncertain significance for Cardiovascular phenotype. Last evaluated: 2025-03-03. Review status: criteria provided, single submitter. Criteria: Ambry Variant Classification Scheme 2023. Collection method: clinical testing. Allele origin: germline.
Comment: The p.S311L variant (also known as c.932C>T), located in coding exon 12 of the MYBPC3 gene, results from a C to T substitution at nucleotide position 932. The serine at codon 311 is replaced by leucine, an amino acid with dissimilar properties. This alteration has been reported in a dilated cardiomyopathy cohort, a hypertrophic cardiomyopathy cohort, and a sudden unexplained death cohort; however, clinical details were limited in these cases (Waldm&uuml;ller S et al. Eur J Heart Fail, 2011 Nov;13:1185-92; Alfares AA et al. Genet Med, 2015 Nov;17:880-8; Lin Y et al. Circ Cardiovasc Genet, 2017 Dec;10:[ePub ahead of print]; Walsh R et al. Genet Med, 2017 02;19:192-203). This amino acid position is not well conserved in available vertebrate species. In addition, the in silico prediction for this alteration is inconclusive. Since supporting evidence is limited at this time, the clinical significance of this alteration remains unclear.

Blueprint Genetics
Classification: Likely benign. Last evaluated: 2024-11-27. Review status: criteria provided, single submitter. Criteria: ACMG Guidelines, 2015. Collection method: clinical testing. Allele origin: germline.

All of Us Research Program, National Institutes of Health
Classification: Uncertain significance for Hypertrophic cardiomyopathy. Last evaluated: 2023-12-13. Review status: criteria provided, single submitter. Criteria: ACMG Guidelines, 2015. Collection method: clinical testing. Allele origin: germline. Inheritance: Autosomal dominant inheritance. Observed: 4 variant alleles, 4 heterozygotes.
Comment: This missense variant replaces serine with leucine at codon 311 of the MYBPC3 protein. Computational prediction suggests that this variant may not impact protein structure and function (internally defined REVEL score threshold <= 0.5, PMID: 27666373). To our knowledge, functional studies have not been reported for this variant. This variant has been reported in an individual affected with hypertrophic cardiomyopathy (PMID: 27532257, 25611685). This variant has also been reported in an individual affected with dilated cardiomyopathy (PMID: 21750094). This variant has not been identified in the general population by the Genome Aggregation Database (gnomAD). The available evidence is insufficient to determine the role of this variant in disease conclusively. Therefore, this variant is classified as a Variant of Uncertain Significance.

This study involves interpretation of variants in research participants for the purpose of population health screening. Participant phenotype was not available at the time of variant classification. Additional details can be found in publication PMID: 35346344, PMCID: PMC8962531

Color Diagnostics, LLC DBA Color Health
Classification: Uncertain significance for Cardiomyopathy. Last evaluated: 2023-10-23. Review status: criteria provided, single submitter. Criteria: ACMG Guidelines, 2015. Collection method: clinical testing. Allele origin: germline.
Comment: This missense variant replaces serine with leucine at codon 311 of the MYBPC3 protein. Computational prediction suggests that this variant may not impact protein structure and function (internally defined REVEL score threshold <= 0.5, PMID: 27666373). To our knowledge, functional studies have not been reported for this variant. This variant has been reported in an individual affected with hypertrophic cardiomyopathy (PMID: 27532257, 25611685). This variant has also been reported in an individual affected with dilated cardiomyopathy (PMID: 21750094). This variant has not been identified in the general population by the Genome Aggregation Database (gnomAD). The available evidence is insufficient to determine the role of this variant in disease conclusively. Therefore, this variant is classified as a Variant of Uncertain Significance.

Fulgent Genetics
Classification: Uncertain significance for Hypertrophic cardiomyopathy 4; Left ventricular noncompaction 10. Last evaluated: 2021-10-25. Review status: criteria provided, single submitter. Criteria: ACMG Guidelines, 2015. Collection method: clinical testing. Allele origin: unknown.

Laboratory for Molecular Medicine, Mass General Brigham Personalized Medicine
Classification: Uncertain significance. Last evaluated: 2019-04-04. Review status: criteria provided, single submitter. Criteria: ACMG Guidelines, 2015. Collection method: clinical testing. Allele origin: germline.
Comment: This variant was not identified in large population studies. Serine (Ser) at position 311 is not conserved in mammals or evolutionarily distant species and the change to leucine (Leu) was predicted to be benign using a computational tool clinically validated by our laboratory. This tool's benign prediction is estimated to be correct 89% of the time (Jordan 2011). In summary, additional information is needed to fully assess the clinical significance of this variant.

Literature cited by the submitters: PubMed 21750094 (cited by 4 submitters); PubMed 25611685 (cited by 4 submitters); PubMed 27532257 (cited by 4 submitters); PubMed 29247119 (cited by Labcorp Genetics (formerly Invitae), Labcorp and Ambry Genetics); PubMed 37652022 (cited by Labcorp Genetics (formerly Invitae), Labcorp); PubMed 38002985 (cited by Ambry Genetics); PubMed 38757491 (cited by Ambry Genetics); PubMed 18258667 (cited by Laboratory for Molecular Medicine, Mass General Brigham Personalized Medicine); PubMed 20019025 (cited by Laboratory for Molecular Medicine, Mass General Brigham Personalized Medicine).